The following is an entry in ClinVar:

NM_000179.3(MSH6):c.3082T>C (p.Ser1028Pro)

Gene: MSH6 (mutS homolog 6; plus strand). Cytogenetic location: 2p16.3.
Variant type: single nucleotide variant.
Coding change: c.3082T>C on transcript NM_000179.3 (MANE Select); coding-DNA position 3082, T replaced by C.
Protein change: p.Ser1028Pro; replaces serine 1028 with proline.
Molecular consequence: missense variant.
Genome position (GRCh38, 1-based): chr2:47,801,065, T>C. VCF-style: chr2-47801065-T-C. GRCh37 (hg19) VCF-style: chr2-48028204-T-C.
Other names: c.2692T>C, p.Ser898Pro (NM_001281492.2); c.2176T>C, p.Ser726Pro (NM_001281493.2, NM_001281494.2); short protein forms S1028P, S726P, S898P.
Identifiers: ClinVar variation 822832 (VCV000822832.10), dbSNP rs1572730033, ClinGen allele CA346756564.

ClinVar aggregate classification (germline): Uncertain significance. Review status: criteria provided, multiple submitters, no conflicts (2 of 4 stars). 2 submissions from 2 submitters: Uncertain significance (2). Last evaluated 2021-10-10.

Conditions:
Hereditary cancer-predisposing syndrome. Also called: Tumor predisposition; Hereditary Cancer Syndrome; Neoplastic Syndromes, Hereditary; Hereditary neoplastic syndrome. Identifiers: Orphanet 140162, MedGen C0027672, MeSH D009386, MONDO:0015356.
Hereditary nonpolyposis colorectal neoplasms. Identifiers: MedGen C0009405, MeSH D003123.

Submissions (2):

Labcorp Genetics (formerly Invitae), Labcorp
Classification: Uncertain significance for Hereditary nonpolyposis colorectal neoplasms. Last evaluated: 2021-10-10. Review status: criteria provided, single submitter. Criteria: Invitae Variant Classification Sherloc (09022015). Collection method: clinical testing. Allele origin: germline.
Comment: In summary, the available evidence is currently insufficient to determine the role of this variant in disease. Therefore, it has been classified as a Variant of Uncertain Significance. Algorithms developed to predict the effect of missense changes on protein structure and function are either unavailable or do not agree on the potential impact of this missense change (SIFT: "Deleterious"; PolyPhen-2: "Probably Damaging"; Align-GVGD: "Class C0"). ClinVar contains an entry for this variant (Variation ID: 822832). This variant has not been reported in the literature in individuals affected with MSH6-related conditions. This variant is not present in population databases (ExAC no frequency). This sequence change replaces serine with proline at codon 1028 of the MSH6 protein (p.Ser1028Pro). The serine residue is weakly conserved and there is a moderate physicochemical difference between serine and proline.

Ambry Genetics
Classification: Uncertain significance for Hereditary cancer-predisposing syndrome. Last evaluated: 2019-08-29. Review status: criteria provided, single submitter. Criteria: Ambry Variant Classification Scheme 2023. Collection method: clinical testing. Allele origin: germline.
Comment: The p.S1028P variant (also known as c.3082T>C), located in coding exon 4 of the MSH6 gene, results from a T to C substitution at nucleotide position 3082. The serine at codon 1028 is replaced by proline, an amino acid with similar properties. This amino acid position is not well conserved in available vertebrate species. In addition, the in silico prediction for this alteration is inconclusive. Since supporting evidence is limited at this time, the clinical significance of this alteration remains unclear.